The following is an entry in ClinVar:

ClinVar aggregate classification (germline): Pathogenic. Review status: criteria provided, multiple submitters, no conflicts (2 of 4 stars). 4 submissions from 4 submitters: Pathogenic (4). Last evaluated 2026-01-13.

Conditions:
Hereditary cancer-predisposing syndrome. Also called: Neoplastic Syndromes, Hereditary; Hereditary neoplastic syndrome; Tumor predisposition; Hereditary Cancer Syndrome. Identifiers: Orphanet 140162, MedGen C0027672, MeSH D009386, MONDO:0015356.
Familial cancer of breast. Also called: Hereditary breast cancer; hereditary breast carcinoma; BREAST CANCER, FAMILIAL. Identifiers: Orphanet 227535, MedGen C0346153, MONDO:0016419, OMIM 114480. Disease mechanism: loss of function.

Submissions (4):

Ambry Genetics
Classification: Pathogenic for Hereditary cancer-predisposing syndrome. Last evaluated: 2026-01-13. Review status: criteria provided, single submitter. Criteria: Ambry Variant Classification Scheme 2023. Collection method: clinical testing. Allele origin: germline.
Comment: The c.2390_2396delAACCTAC pathogenic mutation, located in coding exon 5 of the PALB2 gene, results from a deletion of 7 nucleotides at nucleotide positions 2390 to 2396, causing a translational frameshift with a predicted alternate stop codon (p.Q797Pfs*52). This variant is considered to be rare based on population cohorts in the Genome Aggregation Database (gnomAD). This alteration is expected to result in loss of function by premature protein truncation or nonsense-mediated mRNA decay. As such, this alteration is interpreted as a disease-causing mutation.

Labcorp Genetics (formerly Invitae), Labcorp
Classification: Pathogenic for Familial cancer of breast. Last evaluated: 2025-03-09. Review status: criteria provided, single submitter. Criteria: Invitae Variant Classification Sherloc (09022015). Collection method: clinical testing. Allele origin: germline.
Comment: This sequence change creates a premature translational stop signal (p.Gln797Profs*52) in the PALB2 gene. It is expected to result in an absent or disrupted protein product. Loss-of-function variants in PALB2 are known to be pathogenic (PMID: 17200668, 17200671, 17200672, 24136930, 25099575). This variant is not present in population databases (gnomAD no frequency). This premature translational stop signal has been observed in individual(s) with breast and/or ovarian cancer (PMID: 26681312, 29470806). ClinVar contains an entry for this variant (Variation ID: 128131). For these reasons, this variant has been classified as Pathogenic.

Baylor Genetics
Classification: Pathogenic for Familial cancer of breast. Last evaluated: 2023-04-14. Review status: criteria provided, single submitter. Criteria: ACMG Guidelines, 2015. Collection method: clinical testing. Allele origin: unknown.

GeneDx
Classification: Pathogenic. Last evaluated: 2014-07-16. Review status: criteria provided, single submitter. Criteria: GeneDx Variant Classification (06012015). Collection method: clinical testing. Allele origin: germline. Affected: yes.
Comment: This pathogenic variant is denoted PALB2 c.2390_2396delAACCTAC at the cDNA level and p.Gln797ProfsX52 (Q797PfsX52) at the protein level. The normal sequence, with the bases that are deleted in brackets, is GGAC[AACCTAC]CTGT. The deletion of 7 nucleotides causes a frameshift, which changes a Glutamine to a Proline at codon 797, and creates a premature stop codon at position 52 of the new reading frame. This variant is predicted to cause loss of normal protein function through either protein truncation or nonsense-mediated mRNA decay. Although this variant has not been previously reported to our knowledge, it is considered pathogenic.

Literature cited by the submitters: PubMed 17200668 (cited by Labcorp Genetics (formerly Invitae), Labcorp); PubMed 17200671 (cited by Labcorp Genetics (formerly Invitae), Labcorp); PubMed 17200672 (cited by Labcorp Genetics (formerly Invitae), Labcorp); PubMed 24136930 (cited by Labcorp Genetics (formerly Invitae), Labcorp); PubMed 25099575 (cited by Labcorp Genetics (formerly Invitae), Labcorp); PubMed 26681312 (cited by Labcorp Genetics (formerly Invitae), Labcorp); PubMed 29470806 (cited by Labcorp Genetics (formerly Invitae), Labcorp).

NM_024675.4(PALB2):c.2390_2396del (p.Gln797fs)

Gene: PALB2 (partner and localizer of BRCA2; minus strand). Cytogenetic location: 16p12.2.
Variant type: Deletion.
Coding change: c.2390_2396del on transcript NM_024675.4 (MANE Select); coding-DNA positions 2390 to 2396, 7 bases deleted (AACCTAC; older notation c.2390_2396delAACCTAC).
Protein change: p.Gln797fs; shifts the reading frame from glutamine 797.
Molecular consequence: frameshift variant.
Genome position (GRCh38, 1-based): chr16:23,629,758-23,629,764, GTAGGTT deleted on the plus strand (AACCTAC on the coding strand, the reverse complement: PALB2 is on the minus strand); deleting any 7 consecutive bases within chr16:23,629,758-23,629,766 gives the same sequence; the c. name uses the placement nearest the transcript's 3' end. VCF-style (leftmost placement, unchanged base first): chr16-23629757-GGTAGGTT-G. GRCh37 (hg19) VCF-style: chr16-23641078-GGTAGGTT-G.
Other names: c.2390_2396delAACCTAC (NM_024675.3); short protein forms Q797fs.
Identifiers: ClinVar variation 128131 (VCV000128131.9), dbSNP rs587780211, ClinGen allele CA288447.